The following is an entry in ClinVar:

ClinVar aggregate classification (germline): Uncertain significance. Review status: criteria provided, multiple submitters, no conflicts (2 of 4 stars). 2 submissions from 2 submitters: Uncertain significance (2). Last evaluated 2025-07-18.

Conditions:
Cardiovascular phenotype. Identifiers: MedGen CN230736.
Brugada syndrome 4 (BRGDA4). Identifiers: Orphanet 130, MedGen C2678477, MONDO:0012743, OMIM 611876.

Allele frequency attached by ClinVar (database versions not stated): TOPMed below 0.00001; gnomAD 0.00001; gnomAD exomes 0.00002 and 0.00004; ExAC 0.00006; 1000 Genomes Project 30x 0.00031.
gnomAD v4.1: 30 of 1,613,944 alleles (0.0019%); highest among the groups gnomAD compares: South Asian, 0.032%; no homozygotes.

Submissions (2):

Labcorp Genetics (formerly Invitae), Labcorp
Classification: Uncertain significance for Brugada syndrome 4. Last evaluated: 2025-07-18. Review status: criteria provided, single submitter. Criteria: Invitae Variant Classification Sherloc (09022015). Collection method: clinical testing. Allele origin: germline.
Comment: This sequence change replaces proline, which is neutral and non-polar, with alanine, which is neutral and non-polar, at codon 186 of the CACNB2 protein (p.Pro186Ala). This variant is present in population databases (rs750627674, gnomAD 0.03%). This variant has not been reported in the literature in individuals affected with CACNB2-related conditions. ClinVar contains an entry for this variant (Variation ID: 1399109). An algorithm developed to predict the effect of missense changes on protein structure and function (PolyPhen-2) suggests that this variant is likely to be disruptive. In summary, the available evidence is currently insufficient to determine the role of this variant in disease. Therefore, it has been classified as a Variant of Uncertain Significance.

Ambry Genetics
Classification: Uncertain significance for Cardiovascular phenotype. Last evaluated: 2018-06-07. Review status: criteria provided, single submitter. Criteria: Ambry Variant Classification Scheme 2023. Collection method: clinical testing. Allele origin: germline.
Comment: The p.P186A variant (also known as c.556C>G), located in coding exon 6 of the CACNB2 gene, results from a C to G substitution at nucleotide position 556. The proline at codon 186 is replaced by alanine, an amino acid with highly similar properties. This amino acid position is highly conserved in available vertebrate species. In addition, the in silico prediction for this alteration is inconclusive. Since supporting evidence is limited at this time, the clinical significance of this alteration remains unclear.

NM_201596.3(CACNB2):c.718C>G (p.Pro240Ala)

Gene: CACNB2 (calcium voltage-gated channel auxiliary subunit beta 2; plus strand). Cytogenetic location: 10p12.31.
Variant type: single nucleotide variant.
Coding change: c.718C>G on transcript NM_201596.3 (MANE Select); coding-DNA position 718, C replaced by G.
Protein change: p.Pro240Ala; replaces proline 240 with alanine.
Molecular consequence: missense variant. On other transcripts: intron variant (5).
Genome position (GRCh38, 1-based): chr10:18,514,283, C>G. VCF-style: chr10-18514283-C-G. GRCh37 (hg19) VCF-style: chr10-18803212-C-G.
Other names: c.553C>G, p.Pro185Ala (NM_000724.4); c.574C>G, p.Pro192Ala (NM_201570.3); c.634C>G, p.Pro212Ala (NM_201571.4); c.556C>G, p.Pro186Ala (NM_201590.3); c.587-228C>G (NM_001167945.2); c.587-697C>G (NM_201572.4); c.671-228C>G (NM_201593.3); c.671-697C>G (NM_201597.3); and 1 more; short protein forms P185A, P192A, P240A, P186A, P212A.
Identifiers: ClinVar variation 1399109 (VCV001399109.8), dbSNP rs750627674, ClinGen allele CA5429713.